The following is an entry in ClinVar:

NM_002878.4(RAD51D):c.82G>A (p.Val28Met)

Genes: RAD51D (RAD51 paralog D; minus strand), RAD51L3-RFFL (RAD51L3-RFFL readthrough; minus strand). Cytogenetic location: 17q12.
Variant type: single nucleotide variant.
Coding change: c.82G>A on transcript NM_002878.4 (MANE Select); coding-DNA position 82, G replaced by A.
Protein change: p.Val28Met; replaces valine 28 with methionine.
Molecular consequence: missense variant. On other transcripts: non-coding transcript variant (2).
Genome position (GRCh38, 1-based): chr17:35,119,532, C>T on the plus strand (G>A on the coding strand, the complement: RAD51D is on the minus strand). VCF-style: chr17-35119532-C-T. GRCh37 (hg19) VCF-style: chr17-33446551-C-T.
Other names: c.82G>A, p.Val28Met (NM_001142571.2, NM_133629.3); short protein forms V28M.
Identifiers: ClinVar variation 1762824 (VCV001762824.3), dbSNP rs2142480064, ClinGen allele CA399092238.

ClinVar aggregate classification (germline): Uncertain significance. Review status: criteria provided, multiple submitters, no conflicts (2 of 4 stars). 2 submissions from 2 submitters: Uncertain significance (2). Last evaluated 2024-07-26.

Conditions:
Hereditary cancer-predisposing syndrome. Also called: Neoplastic Syndromes, Hereditary; Tumor predisposition; Hereditary Cancer Syndrome; Hereditary neoplastic syndrome. Identifiers: Orphanet 140162, MedGen C0027672, MeSH D009386, MONDO:0015356.
Breast-ovarian cancer, familial, susceptibility to, 4. Identifiers: Orphanet 145, MedGen C3280345, MONDO:0013669, OMIM 614291.

Allele frequency attached by ClinVar (database versions not stated): gnomAD exomes below 0.00001.
gnomAD v4.1: 1 of 1,611,808 alleles (0.000062%); highest among the groups gnomAD compares: Non-Finnish European, 0.000085%; no homozygotes.

Submissions (2):

3billion
Classification: Uncertain significance for Breast-ovarian cancer, familial, susceptibility to, 4. Last evaluated: 2024-07-26. Review status: criteria provided, single submitter. Criteria: ACMG Guidelines, 2015. Collection method: clinical testing. Allele origin: germline. Affected: yes.
Comment: The variant is observed at an extremely low frequency in the gnomAD v4.0.0 dataset (total allele frequency: <0.001%). Predicted Consequence/Location: Missense variant: previously reported to result in an inframe deletion (PMID: 33452952). The majority of the known disease-causing variants of this gene are variants expected to result in premature termination of the protein. In silico tools predict the variant to alter splicing and produce an abnormal transcript [SpliceAI: 0.87 (spliceogenicity >=0.2, non-spliceogenicity <0.1)]. Missense variant: previously reported to result in an inframe deletion (PMID: 33452952). The majority of the known disease-causing variants of this gene are variants expected to result in premature termination of the protein. Therefore, this variant is classified as VUS according to the recommendation of ACMG/AMP guideline.

Ambry Genetics
Classification: Uncertain significance for Hereditary cancer-predisposing syndrome. Last evaluated: 2020-07-29. Review status: criteria provided, single submitter. Criteria: Ambry Variant Classification Scheme 2023. Collection method: clinical testing. Allele origin: germline.
Comment: The p.V28M variant (also known as c.82G>A), located in coding exon 1 of the RAD51D gene, results from a G to A substitution at nucleotide position 82. The valine at codon 28 is replaced by methionine, an amino acid with highly similar properties. However, this change occurs in the last base pair of coding exon 1, which makes it likely to have some effect on normal mRNA splicing. This nucleotide position is highly conserved in available vertebrate species. In silico splice site analysis predicts that this alteration will weaken the native splice donor site and will result in the creation or strengthening of a novel splice donor site. In addition, as a missense substitution this alteration is predicted to be tolerated by in silico analysis. Since supporting evidence is limited at this time, the clinical significance of this alteration remains unclear.

Literature cited by the submitters: PubMed 33452952 (cited by 3billion).